The following is an entry in ClinVar:

ClinVar aggregate classification (germline): Pathogenic/Likely pathogenic. Review status: criteria provided, multiple submitters, no conflicts (2 of 4 stars). 2 submissions from 2 submitters: Pathogenic (1); Likely pathogenic (1). Last evaluated 2025-09-29.

Conditions:
Zellweger spectrum disorders (ZS). Also called: Zellweger Spectrum Disorder; Zellweger Spectrum; Zellweger syndrome; Zellweger Spectrum Disorder (ZSD). Identifiers: Orphanet 912, MedGen C0043459, MONDO:0019609.

Submissions (2):

Natera, Inc.
Classification: Likely pathogenic for Zellweger syndrome. Last evaluated: 2025-09-29. Review status: criteria provided, single submitter. Criteria: Natera Variant Classification Schema (03/2026). Collection method: clinical testing. Allele origin: germline.
Comment: The c.821_824del variant in PEX1 is a frameshift variant predicted to shift the reading frame beginning at codon 274 and leads to a stop codon 9 codons downstream. This variant is expected to result in nonsense mediated decay, truncation, or a dysfunctional protein product. This variant is rare in the general population with a frequency below the threshold expected for the associated phenotype(s). Given the available evidence, this variant is classified as Likely Pathogenic.

Labcorp Genetics (formerly Invitae), Labcorp
Classification: Pathogenic for Zellweger spectrum disorders. Last evaluated: 2023-06-14. Review status: criteria provided, single submitter. Criteria: Invitae Variant Classification Sherloc (09022015). Collection method: clinical testing. Allele origin: germline.
Comment: This sequence change creates a premature translational stop signal (p.Lys274Ilefs*9) in the PEX1 gene. It is expected to result in an absent or disrupted protein product. Loss-of-function variants in PEX1 are known to be pathogenic (PMID: 9398847, 16086329, 16141001, 21031596, 26387595, 31831025). This variant is not present in population databases (gnomAD no frequency). This variant has not been reported in the literature in individuals affected with PEX1-related conditions. For these reasons, this variant has been classified as Pathogenic.

Literature cited by the submitters: PubMed 9398847 (cited by Labcorp Genetics (formerly Invitae), Labcorp); PubMed 16086329 (cited by Labcorp Genetics (formerly Invitae), Labcorp); PubMed 16141001 (cited by Labcorp Genetics (formerly Invitae), Labcorp); PubMed 21031596 (cited by Labcorp Genetics (formerly Invitae), Labcorp); PubMed 26387595 (cited by Labcorp Genetics (formerly Invitae), Labcorp); PubMed 31831025 (cited by Labcorp Genetics (formerly Invitae), Labcorp).

NM_000466.3(PEX1):c.821_824del (p.Lys274fs)

Gene: PEX1 (peroxisomal biogenesis factor 1; minus strand). Cytogenetic location: 7q21.2.
Variant type: Deletion.
Coding change: c.821_824del on transcript NM_000466.3 (MANE Select); coding-DNA positions 821 to 824, 4 bases deleted (AAAA; older notation c.821_824delAAAA).
Protein change: p.Lys274fs; shifts the reading frame from lysine 274.
Molecular consequence: frameshift variant.
Genome position (GRCh38, 1-based): chr7:92,517,691-92,517,694, TTTT deleted on the plus strand (AAAA on the coding strand, the reverse complement: PEX1 is on the minus strand); deleting any 4 consecutive bases within chr7:92,517,691-92,517,695 gives the same sequence; the c. name uses the placement nearest the transcript's 3' end. VCF-style (leftmost placement, unchanged base first): chr7-92517690-ATTTT-A. GRCh37 (hg19) VCF-style: chr7-92147004-ATTTT-A.
Other names: c.821_824del, p.Lys274fs (NM_001282677.2); c.197_200del, p.Lys66fs (NM_001282678.2); c.821_824del (NM_000466.2); short protein forms K274fs, K66fs.
Identifiers: ClinVar variation 2714749 (VCV002714749.4), dbSNP rs2484703200, ClinGen allele CA2697557403.